The following is an entry in ClinVar:

NM_001278431.2(C1QTNF5):c.635G>C (p.Gly212Ala)

Genes: C1QTNF5 (C1q and TNF related 5; minus strand), MFRP (membrane frizzled-related protein; minus strand). Cytogenetic location: 11q23.3.
Variant type: single nucleotide variant.
Coding change: c.635G>C on transcript NM_001278431.2 (MANE Select); coding-DNA position 635, G replaced by C.
Protein change: p.Gly212Ala; replaces glycine 212 with alanine.
Molecular consequence: missense variant. On other transcripts: 3 prime UTR variant (1).
Genome position (GRCh38, 1-based): chr11:119,339,428, C>G on the plus strand (G>C on the coding strand, the complement: C1QTNF5 is on the minus strand). VCF-style: chr11-119339428-C-G. GRCh37 (hg19) VCF-style: chr11-119210138-C-G.
Other names: c.635G>C (NM_015645.3); c.635G>C, p.Gly212Ala (NM_015645.5); c.*1531G>C (NM_031433.4); short protein forms G212A.
Identifiers: ClinVar variation 1431299 (VCV001431299.7), dbSNP rs1258935333, ClinGen allele CA382968125.

ClinVar aggregate classification (germline): Uncertain significance. Review status: criteria provided, multiple submitters, no conflicts (2 of 4 stars). 2 submissions from 2 submitters: Uncertain significance (2). Last evaluated 2025-03-11.

Conditions:
Inborn genetic diseases. Identifiers: MedGen C0950123, MeSH D030342.

Allele frequency attached by ClinVar (database versions not stated): gnomAD exomes below 0.00001; gnomAD 0.00001.
gnomAD v4.1: 2 of 1,613,844 alleles (0.00012%); highest among the groups gnomAD compares: Non-Finnish European, 0.00017%; no homozygotes.

Submissions (2):

Ambry Genetics
Classification: Uncertain significance for Inborn genetic diseases. Last evaluated: 2025-03-11. Review status: criteria provided, single submitter. Criteria: Ambry Variant Classification Scheme 2023. Collection method: clinical testing. Allele origin: germline.

Labcorp Genetics (formerly Invitae), Labcorp
Classification: Uncertain significance. Last evaluated: 2024-03-13. Review status: criteria provided, single submitter. Criteria: Invitae Variant Classification Sherloc (09022015). Collection method: clinical testing. Allele origin: germline.
Comment: This sequence change replaces glycine, which is neutral and non-polar, with alanine, which is neutral and non-polar, at codon 212 of the C1QTNF5 protein (p.Gly212Ala). This variant is present in population databases (no rsID available, gnomAD 0.007%). This variant has not been reported in the literature in individuals affected with C1QTNF5-related conditions. ClinVar contains an entry for this variant (Variation ID: 1431299). An algorithm developed to predict the effect of missense changes on protein structure and function (PolyPhen-2) suggests that this variant is likely to be disruptive. In summary, the available evidence is currently insufficient to determine the role of this variant in disease. Therefore, it has been classified as a Variant of Uncertain Significance.